The following is an entry in ClinVar:

ClinVar aggregate classification (germline): Uncertain significance (1 of 4 stars; one submission).

gnomAD v4.1: 3 of 1,476,882 alleles (0.0002%); highest among the groups gnomAD compares: Non-Finnish European, 0.00027%; no homozygotes.

Submission:

Labcorp Genetics (formerly Invitae), Labcorp
Classification: Uncertain significance. Last evaluated: 2024-04-22. Review status: criteria provided, single submitter. Criteria: Invitae Variant Classification Sherloc (09022015). Collection method: clinical testing. Allele origin: germline.
Comment: This sequence change replaces proline, which is neutral and non-polar, with arginine, which is basic and polar, at codon 341 of the CDK13 protein (p.Pro341Arg). This variant is not present in population databases (gnomAD no frequency). This variant has not been reported in the literature in individuals affected with CDK13-related conditions. Advanced modeling of protein sequence and biophysical properties (such as structural, functional, and spatial information, amino acid conservation, physicochemical variation, residue mobility, and thermodynamic stability) has been performed at Invitae for this missense variant, however the output from this modeling did not meet the statistical confidence thresholds required to predict the impact of this variant on CDK13 protein function. In summary, the available evidence is currently insufficient to determine the role of this variant in disease. Therefore, it has been classified as a Variant of Uncertain Significance.

NM_003718.5(CDK13):c.1022C>G (p.Pro341Arg)

Gene: CDK13 (cyclin dependent kinase 13; plus strand). Cytogenetic location: 7p14.1.
Variant type: single nucleotide variant.
Coding change: c.1022C>G on transcript NM_003718.5 (MANE Select); coding-DNA position 1022, C replaced by G.
Protein change: p.Pro341Arg; replaces proline 341 with arginine.
Molecular consequence: missense variant.
Genome position (GRCh38, 1-based): chr7:39,951,663, C>G. VCF-style: chr7-39951663-C-G. GRCh37 (hg19) VCF-style: chr7-39991262-C-G.
Other names: c.1022C>G, p.Pro341Arg (NM_031267.4); short protein forms P341R.
Identifiers: ClinVar variation 3669140 (VCV003669140.2).
Genomic context (GRCh38, chr7:39,951,663, plus strand): 5'-GCCGGGACGACAGCCCGGTGTCCCACAGGGCCTCTCAGAGCCTGAGGAGCCGCAAGTCCC[C>G]CAGCCCGGCAGGAGGTGGCAGCAGCCCCTATTCTCGGCGGCTGCCGCGCTCCCCGAGCCC-3'
Protein context (NP_003709.3, residues 331-351): ASQSLRSRKS[Pro341Arg]SPAGGGSSPY